The following is an entry in ClinVar:

ClinVar aggregate classification (germline): Uncertain significance. Review status: criteria provided, multiple submitters, no conflicts (2 of 4 stars). 4 submissions from 4 submitters: Uncertain significance (3). 1 of the submissions does not count toward it. Last evaluated 2024-10-25.

Conditions:
PSAT1-related disorder. Also called: PSAT1-related condition; PSAT1-related disorders.
Neu-Laxova syndrome 2. Identifiers: Orphanet 2671, Orphanet 583602, MedGen C4015019, MONDO:0014466, OMIM 616038.
PSAT deficiency. Identifiers: Orphanet 284417, MedGen C1970253, MONDO:0012596, OMIM 610992.

Allele frequency attached by ClinVar (database versions not stated): ExAC 0.00002; TOPMed 0.00004; 1000 Genomes Project 0.00020; 1000 Genomes Project 30x 0.00031.

Submissions (4):

PreventionGenetics, part of Exact Sciences
Classification: Uncertain significance for PSAT1-related condition. Last evaluated: 2024-10-25. Review status: criteria provided, single submitter. Criteria: ACMG Guidelines, 2015. Collection method: clinical testing. Allele origin: germline.
Comment: The PSAT1 c.4G>T variant is predicted to result in the amino acid substitution p.Asp2Tyr. To our knowledge, this variant has not been reported in the literature in individuals with PSAT1-related disorders. This variant is reported in 0.0034% of alleles in individuals of European (Non-Finnish) descent in gnomAD. At this time, the clinical significance of this variant is uncertain due to the absence of conclusive functional and genetic evidence.

Labcorp Genetics (formerly Invitae), Labcorp
Classification: Uncertain significance for Neu-Laxova syndrome 2. Last evaluated: 2021-11-05. Review status: criteria provided, single submitter. Criteria: Invitae Variant Classification Sherloc (09022015). Collection method: clinical testing. Allele origin: germline.
Comment: This sequence change replaces aspartic acid, which is acidic and polar, with tyrosine, which is neutral and polar, at codon 2 of the PSAT1 protein (p.Asp2Tyr). The frequency data for this variant in the population databases is considered unreliable, as metrics indicate poor data quality at this position in the gnomAD database. This variant has not been reported in the literature in individuals affected with PSAT1-related conditions. ClinVar contains an entry for this variant (Variation ID: 912614). Algorithms developed to predict the effect of missense changes on protein structure and function are either unavailable or do not agree on the potential impact of this missense change (SIFT: "Deleterious"; PolyPhen-2: "Benign"; Align-GVGD: "Class C0"). Algorithms developed to predict the effect of sequence changes on RNA splicing suggest that this variant may create or strengthen a splice site. In summary, the available evidence is currently insufficient to determine the role of this variant in disease. Therefore, it has been classified as a Variant of Uncertain Significance.

Illumina Laboratory Services, Illumina
Classification: Uncertain significance for PSAT deficiency. Last evaluated: 2018-01-13. Review status: criteria provided, single submitter. Criteria: ICSL Variant Classification Criteria 13 December 2019. Collection method: clinical testing. Allele origin: germline.

Dudley Research Group, Pacific Northwest Research Institute
No classification provided. Review status: no classification provided. Collection method: research, in vivo. Allele origin: unknown, not applicable. Functional consequence: functionally_normal. Not counted in ClinVar's aggregate classification.

NM_058179.4(PSAT1):c.4G>T (p.Asp2Tyr)

Gene: PSAT1 (phosphoserine aminotransferase 1; plus strand). Cytogenetic location: 9q21.2.
Variant type: single nucleotide variant.
Coding change: c.4G>T on transcript NM_058179.4 (MANE Select); coding-DNA position 4, G replaced by T.
Protein change: p.Asp2Tyr; replaces aspartic acid 2 with tyrosine.
Molecular consequence: missense variant.
Genome position (GRCh38, 1-based): chr9:78,297,214, G>T. VCF-style: chr9-78297214-G-T. GRCh37 (hg19) VCF-style: chr9-80912130-G-T.
Other names: c.4G>T, p.Asp2Tyr (NM_021154.5); short protein forms D2Y.
Identifiers: ClinVar variation 912614 (VCV000912614.10), dbSNP rs547331710, ClinGen allele CA5095472.